The following is an entry in ClinVar:

ClinVar aggregate classification (germline): Benign (0 of 4 stars; one submission).

Conditions:
ZFHX3-related disorder. Also called: ZFHX3-related condition.

Allele frequency attached by ClinVar (database versions not stated): gnomAD 0.00318 and 0.00340; 1000 Genomes Project 30x 0.00047; ESP Exome Variant Server 0.00086; TOPMed 0.00090.
gnomAD v4.1: 3,355 of 1,424,488 alleles (0.24%); highest among the groups gnomAD compares: Non-Finnish European, 0.15%; 37 homozygotes.

Submission:

PreventionGenetics, part of Exact Sciences
Classification: Benign for ZFHX3-related condition. Last evaluated: 2019-08-16. Review status: no assertion criteria provided. Collection method: clinical testing. Allele origin: germline.
Comment: This variant is classified as benign based on ACMG/AMP sequence variant interpretation guidelines (Richards et al. 2015 PMID: 25741868, with internal and published modifications).

NM_006885.4(ZFHX3):c.10519G>C (p.Gly3507Arg)

Genes: ZFHX3 (zinc finger homeobox 3; minus strand), ZFHX3-AS1 (ZFHX3 antisense RNA 1; plus strand). Cytogenetic location: 16q22.2.
Variant type: single nucleotide variant.
Coding change: c.10519G>C on transcript NM_006885.4 (MANE Select); coding-DNA position 10519, G replaced by C.
Protein change: p.Gly3507Arg; replaces glycine 3507 with arginine.
Molecular consequence: missense variant.
Genome position (GRCh38, 1-based): chr16:72,787,757, C>G on the plus strand (G>C on the coding strand, the complement: ZFHX3 is on the minus strand). VCF-style: chr16-72787757-C-G. GRCh37 (hg19) VCF-style: chr16-72821656-C-G.
Other names: c.7777G>C, p.Gly2593Arg (NM_001164766.2); c.10519G>C (NM_006885.3); short protein forms G3507R, G2593R.
Identifiers: ClinVar variation 3050722 (VCV003050722.2), dbSNP rs201978300, ClinGen allele CA8162476.